The following is an entry in ClinVar:

NM_001001343.4(FNDC9):c.60G>A (p.Ser20=)

Genes: CYFIP2 (cytoplasmic FMR1 interacting protein 2; plus strand), FNDC9 (fibronectin type III domain containing 9; minus strand). Cytogenetic location: 5q33.3.
Variant type: single nucleotide variant.
Coding change: c.60G>A on transcript NM_001001343.4 (MANE Select); coding-DNA position 60, G replaced by A.
Protein change: p.Ser20=; no amino-acid change (serine 20 retained).
Molecular consequence: synonymous variant. On other transcripts: intron variant (4).
Genome position (GRCh38, 1-based): chr5:157,343,477, C>T on the plus strand (G>A on the coding strand, the complement: FNDC9 is on the minus strand). VCF-style: chr5-157343477-C-T. GRCh37 (hg19) VCF-style: chr5-156770485-C-T.
Other names: c.2748+2320C>T (NM_001291722.2); c.2673+2320C>T (NM_001037333.3, NM_014376.4); c.2595+2320C>T (NM_001291721.2).
Identifiers: ClinVar variation 3389236 (VCV003389236.14).

ClinVar aggregate classification (germline): Likely benign (1 of 4 stars; one submission).

gnomAD v4.1: 10 of 1,605,832 alleles (0.00062%); highest among the groups gnomAD compares: East Asian, 0.0022%; no homozygotes.

Submission:

CeGaT Center for Human Genetics Tuebingen
Classification: Likely benign. Last evaluated: 2024-10-01. Review status: criteria provided, single submitter. Criteria: CeGaT Center For Human Genetics Tuebingen Variant Classification Criteria Version 2. Collection method: clinical testing. Allele origin: germline. Affected: yes. Observed: 1 variant allele.
Comment: FNDC9: BP4, BP7